The following is an entry in ClinVar:

NM_203447.4(DOCK8):c.2372T>C (p.Phe791Ser)

Gene: DOCK8 (dedicator of cytokinesis 8; plus strand). Cytogenetic location: 9p24.3.
Variant type: single nucleotide variant.
Coding change: c.2372T>C on transcript NM_203447.4 (MANE Select); coding-DNA position 2372, T replaced by C.
Protein change: p.Phe791Ser; replaces phenylalanine 791 with serine.
Molecular consequence: missense variant.
Genome position (GRCh38, 1-based): chr9:377,143, T>C. VCF-style: chr9-377143-T-C. GRCh37 (hg19) VCF-style: chr9-377143-T-C.
Other names: c.2168T>C, p.Phe723Ser (NM_001190458.2, NM_001193536.2); short protein forms F791S, F723S.
Identifiers: ClinVar variation 574545 (VCV000574545.8), dbSNP rs1389605952, ClinGen allele CA372763368.

ClinVar aggregate classification (germline): Uncertain significance (1 of 4 stars; one submission).

Allele frequency attached by ClinVar (database versions not stated): gnomAD exomes 0.00001 and below 0.00001; TOPMed below 0.00001; gnomAD 0.00001.
gnomAD v4.1: 4 of 1,607,624 alleles (0.00025%); highest among the groups gnomAD compares: Non-Finnish European, 0.00034%; no homozygotes.

Submission:

Labcorp Genetics (formerly Invitae), Labcorp
Classification: Uncertain significance for Combined immunodeficiency due to DOCK8 deficiency. Last evaluated: 2022-11-24. Review status: criteria provided, single submitter. Criteria: Invitae Variant Classification Sherloc (09022015). Collection method: clinical testing. Allele origin: germline.
Comment: In summary, the available evidence is currently insufficient to determine the role of this variant in disease. Therefore, it has been classified as a Variant of Uncertain Significance. Advanced modeling of protein sequence and biophysical properties (such as structural, functional, and spatial information, amino acid conservation, physicochemical variation, residue mobility, and thermodynamic stability) performed at Invitae indicates that this missense variant is expected to disrupt DOCK8 protein function. ClinVar contains an entry for this variant (Variation ID: 574545). This variant has not been reported in the literature in individuals affected with DOCK8-related conditions. This variant is present in population databases (no rsID available, gnomAD 0.0009%). This sequence change replaces phenylalanine, which is neutral and non-polar, with serine, which is neutral and polar, at codon 791 of the DOCK8 protein (p.Phe791Ser).